The following is an entry in ClinVar:

NM_000124.4(ERCC6):c.1800dup (p.Gly601fs)

Gene: ERCC6 (ERCC excision repair 6, chromatin remodeling factor; minus strand). Cytogenetic location: 10q11.23.
Variant type: Duplication.
Coding change: c.1800dup on transcript NM_000124.4 (MANE Select); coding-DNA position 1800, one base duplicated (C; older notation c.1800dupC).
Protein change: p.Gly601fs; shifts the reading frame from glycine 601.
Molecular consequence: frameshift variant.
Genome position (GRCh38, 1-based): chr10:49,493,138, G duplicated on the plus strand (C on the coding strand, the reverse complement: ERCC6 is on the minus strand); the first of 2 consecutive G bases (chr10:49,493,138-49,493,139); duplicating either gives the same sequence. VCF-style (leftmost placement, unchanged base first): chr10-49493137-C-CG. GRCh37 (hg19) VCF-style: chr10-50701183-C-CG.
Other names: c.1800dup, p.Gly601fs (NM_001346440.2); short protein forms G601fs.
Identifiers: ClinVar variation 5011972 (VCV005011972.1).
Genomic context (GRCh38, chr10:49,493,137, plus strand): 5'-CATTAAAACAAAACAAAAAGGTACTGAAATATTGTGTTACCTTTTTGTGGGTATAGGAAC[C>CG]GGTTTCATGTAGAATTGCCACTCTGAACGGAGGCCACCACGTGTGAAATTCCTTCACCCA-3'

ClinVar aggregate classification (germline): Pathogenic (1 of 4 stars; one submission).

Conditions:
Cockayne spectrum with or without cerebrooculofacioskeletal syndrome. Identifiers: MedGen CN315928, MONDO:0100506.

Submission:

Myriad Genetics, Inc.
Classification: Pathogenic for Cockayne spectrum with or without cerebrooculofacioskeletal syndrome. Last evaluated: 2023-09-27. Review status: criteria provided, single submitter. Criteria: Myriad Autosomal Dominant, Autosomal Recessive and X-Linked Classification Criteria (2023). Collection method: clinical testing. Allele origin: unknown.
Comment: NM_000124.2(ERCC6):c.1800dupC(G601Rfs*34) is expected to be pathogenic in the context of ERCC6-related disorders. This variant is predicted to lead to an abnormal or absent protein product due to the creation of a premature termination codon in ERCC6, a gene where loss-of-function variants are known to be pathogenic. Please note: this variant was assessed in the context of healthy population screening.